The following is an entry in ClinVar:

ClinVar aggregate classification (germline): Pathogenic (1 of 4 stars; one submission).

Conditions:
Multiple congenital exostosis (EXT). Also called: Multiple osteochondromas; MULTIPLE CARTILAGINOUS EXOSTOSES; Hereditary multiple exostoses; Hereditary multiple exostosis; Hereditary multiple osteochondromas; Multiple exostoses. Identifiers: Orphanet 321, MedGen C0015306, MONDO:0005508, HP:0002762.

Submission:

Labcorp Genetics (formerly Invitae), Labcorp
Classification: Pathogenic for Multiple congenital exostosis. Last evaluated: 2022-02-10. Review status: criteria provided, single submitter. Criteria: Invitae Variant Classification Sherloc (09022015). Collection method: clinical testing. Allele origin: germline.
Comment: For these reasons, this variant has been classified as Pathogenic. This premature translational stop signal has been observed in individual(s) with clinical features of hereditary multiple osteochondromas (PMID: 19810120, 23262345). This variant is not present in population databases (gnomAD no frequency). This sequence change creates a premature translational stop signal (p.Lys126Asnfs*62) in the EXT1 gene. It is expected to result in an absent or disrupted protein product. Loss-of-function variants in EXT1 are known to be pathogenic (PMID: 10679937, 11391482, 19810120).

Literature cited by the submitters: PubMed 19810120; PubMed 23262345; PubMed 10679937; PubMed 11391482.

NM_000127.3(EXT1):c.369_370del (p.Lys126fs)

Gene: EXT1 (exostosin glycosyltransferase 1; minus strand). Cytogenetic location: 8q24.11.
Variant type: Deletion.
Coding change: c.369_370del on transcript NM_000127.3 (MANE Select); coding-DNA positions 369 to 370, 2 bases deleted (AG; older notation c.369_370delAG).
Protein change: p.Lys126fs; shifts the reading frame from lysine 126.
Molecular consequence: frameshift variant.
Genome position (GRCh38, 1-based): chr8:118,110,677-118,110,678, CT deleted on the plus strand (AG on the coding strand, the reverse complement: EXT1 is on the minus strand). VCF-style (leftmost placement, unchanged base first): chr8-118110676-CCT-C. GRCh37 (hg19) VCF-style: chr8-119122915-CCT-C.
Other names: short protein forms K126fs.
Identifiers: ClinVar variation 1459483 (VCV001459483.8), dbSNP rs2130043872, ClinGen allele CA2573142834.